The following is an entry in ClinVar:

ClinVar aggregate classification (germline): Benign/Likely benign. Review status: criteria provided, multiple submitters, no conflicts (2 of 4 stars). 3 submissions from 3 submitters: Benign (1); Likely benign (2). Last evaluated 2025-06-16.

Conditions:
Hereditary cancer-predisposing syndrome. Also called: Tumor predisposition; Hereditary Cancer Syndrome; Neoplastic Syndromes, Hereditary; Hereditary neoplastic syndrome. Identifiers: Orphanet 140162, MedGen C0027672, MeSH D009386, MONDO:0015356.
Breast-ovarian cancer, familial, susceptibility to, 3. Also called: RAD51C-Related Breast/Ovarian Cancer. Identifiers: Orphanet 145, MedGen C3150659, MONDO:0013253, OMIM 613399.
Fanconi anemia complementation group O. Also called: RAD51C-Related Fanconi Anemia. Identifiers: Orphanet 84, MedGen C3150653, MONDO:0013248, OMIM 613390.

Allele frequency attached by ClinVar (database versions not stated): gnomAD exomes below 0.00001.
gnomAD v4.1: 1 of 1,614,248 alleles (0.000062%); highest among the groups gnomAD compares: Non-Finnish European, 0.000085%; no homozygotes.

Submissions (3):

Labcorp Genetics (formerly Invitae), Labcorp
Classification: Likely benign for Fanconi anemia complementation group O. Last evaluated: 2025-06-16. Review status: criteria provided, single submitter. Criteria: Invitae Variant Classification Sherloc (09022015). Collection method: clinical testing. Allele origin: germline.

Myriad Genetics, Inc.
Classification: Benign for Breast-ovarian cancer, familial, susceptibility to, 3. Last evaluated: 2025-02-14. Review status: criteria provided, single submitter. Criteria: Myriad Autosomal Dominant, Autosomal Recessive and X-Linked Classification Criteria (2023). Collection method: clinical testing. Allele origin: unknown.
Comment: This variant is considered benign. This variant is a silent/synonymous amino acid change and it is not expected to impact splicing.

Ambry Genetics
Classification: Likely benign for Hereditary cancer-predisposing syndrome. Last evaluated: 2022-01-31. Review status: criteria provided, single submitter. Criteria: Ambry Variant Classification Scheme 2023. Collection method: clinical testing. Allele origin: germline.

NM_058216.3(RAD51C):c.51C>T (p.Phe17=)

Gene: RAD51C (RAD51 paralog C; plus strand). Cytogenetic location: 17q22.
Variant type: single nucleotide variant.
Coding change: c.51C>T on transcript NM_058216.3 (MANE Select); coding-DNA position 51, C replaced by T.
Protein change: p.Phe17=; no amino-acid change (phenylalanine 17 retained).
Molecular consequence: synonymous variant. On other transcripts: non-coding transcript variant (1).
Genome position (GRCh38, 1-based): chr17:58,692,694, C>T. VCF-style: chr17-58692694-C-T. GRCh37 (hg19) VCF-style: chr17-56770055-C-T.
Other names: c.51C>T, p.Phe17= (NM_002876.4).
Identifiers: ClinVar variation 761485 (VCV000761485.12), dbSNP rs1598448876, ClinGen allele CA501074344.